The following is an entry in ClinVar:

ClinVar aggregate classification (germline): Uncertain significance. Review status: criteria provided, multiple submitters, no conflicts (2 of 4 stars). 3 submissions from 3 submitters: Uncertain significance (3). Last evaluated 2025-08-08.

Conditions:
MKS1-related disorder. Also called: MKS1-related condition; MKS1-related disorders. Identifiers: MedGen CN239382.
Inborn genetic diseases. Identifiers: MedGen C0950123, MeSH D030342.
Joubert syndrome. Also called: JOUBERT-BOLTSHAUSER SYNDROME; Familial aplasia of the vermis. Identifiers: Orphanet 475, MedGen C5979921, MONDO:0018772.
Meckel-Gruber syndrome. Also called: DYSENCEPHALIA SPLANCHNOCYSTICA; GRUBER SYNDROME; Dysencephalia splachnocystica. Identifiers: Orphanet 564, MedGen C0265215, MONDO:0018921.

Allele frequency attached by ClinVar (database versions not stated): gnomAD 0.00001; ExAC 0.00002; gnomAD exomes 0.00002.
gnomAD v4.1: 30 of 1,613,896 alleles (0.0019%); highest among the groups gnomAD compares: Middle Eastern, 0.033%; no homozygotes.

Submissions (3):

PreventionGenetics, part of Exact Sciences
Classification: Uncertain significance for MKS1-related condition. Last evaluated: 2025-08-08. Review status: criteria provided, single submitter. Criteria: ACMG Guidelines, 2015. Collection method: clinical testing. Allele origin: germline.
Comment: The MKS1 c.1138T>G variant is predicted to result in the amino acid substitution p.Phe380Val. To our knowledge, this variant has not been reported in the literature. This variant is reported in 0.0033% of alleles in individuals of South Asian descent in gnomAD. At this time, the clinical significance of this variant is uncertain due to the absence of conclusive functional and genetic evidence.

Ambry Genetics
Classification: Uncertain significance for Inborn genetic diseases. Last evaluated: 2024-05-15. Review status: criteria provided, single submitter. Criteria: Ambry Variant Classification Scheme 2023. Collection method: clinical testing. Allele origin: germline.

Labcorp Genetics (formerly Invitae), Labcorp
Classification: Uncertain significance for Joubert syndrome; Meckel-Gruber syndrome. Last evaluated: 2022-09-27. Review status: criteria provided, single submitter. Criteria: Invitae Variant Classification Sherloc (09022015). Collection method: clinical testing. Allele origin: germline.
Comment: This sequence change replaces phenylalanine, which is neutral and non-polar, with valine, which is neutral and non-polar, at codon 380 of the MKS1 protein (p.Phe380Val). This variant is present in population databases (rs774595103, gnomAD 0.003%). This variant has not been reported in the literature in individuals affected with MKS1-related conditions. Advanced modeling of protein sequence and biophysical properties (such as structural, functional, and spatial information, amino acid conservation, physicochemical variation, residue mobility, and thermodynamic stability) performed at Invitae indicates that this missense variant is not expected to disrupt MKS1 protein function. In summary, the available evidence is currently insufficient to determine the role of this variant in disease. Therefore, it has been classified as a Variant of Uncertain Significance.

NM_017777.4(MKS1):c.1138T>G (p.Phe380Val)

Gene: MKS1 (MKS transition zone complex subunit 1; minus strand). Cytogenetic location: 17q22.
Variant type: single nucleotide variant.
Coding change: c.1138T>G on transcript NM_017777.4 (MANE Select); coding-DNA position 1138, T replaced by G.
Protein change: p.Phe380Val; replaces phenylalanine 380 with valine.
Molecular consequence: missense variant.
Genome position (GRCh38, 1-based): chr17:58,208,132, A>C on the plus strand (T>G on the coding strand, the complement: MKS1 is on the minus strand). VCF-style: chr17-58208132-A-C. GRCh37 (hg19) VCF-style: chr17-56285493-A-C.
Other names: c.529T>G, p.Phe177Val (NM_001321268.2); c.1138T>G, p.Phe380Val (NM_001321269.2, NM_001330397.2, NM_001411113.1); short protein forms F177V, F380V.
Identifiers: ClinVar variation 2152851 (VCV002152851.5), dbSNP rs774595103, ClinGen allele CA8669250.
Genomic context (GRCh38, chr17:58,208,132, plus strand): 5'-CCAAGGCCCAGGATCAACTGCTGAGCTACTCACCAGAAGATTCATCCTCATGGAGGAAGA[A>C]GGCTTCAAACGTGAATGGGTAGGAGAAGTGAGCCACCTTGTCCTATAAAAAGGAGTGTCA-3'
Protein context (NP_060247.2, residues 370-390): HFSYPFTFEA[Phe380Val]FLHEDESSDA